The following is an entry in ClinVar:

NM_000359.3(TGM1):c.541G>A (p.Val181Met)

Gene: TGM1 (transglutaminase 1; minus strand). Cytogenetic location: 14q12.
Variant type: single nucleotide variant.
Coding change: c.541G>A on transcript NM_000359.3 (MANE Select); coding-DNA position 541, G replaced by A.
Protein change: p.Val181Met; replaces valine 181 with methionine.
Molecular consequence: missense variant.
Genome position (GRCh38, 1-based): chr14:24,260,666, C>T on the plus strand (G>A on the coding strand, the complement: TGM1 is on the minus strand). VCF-style: chr14-24260666-C-T. GRCh37 (hg19) VCF-style: chr14-24729872-C-T.
Other names: c.541G>A (NM_000359.2); short protein forms V181M.
Identifiers: ClinVar variation 1333263 (VCV001333263.2), dbSNP rs778143033, ClinGen allele CA7131365.

ClinVar aggregate classification (germline): Uncertain significance. Review status: criteria provided, multiple submitters, no conflicts (2 of 4 stars). 2 submissions from 2 submitters: Uncertain significance (2). Last evaluated 2024-08-28.

Conditions:
Inborn genetic diseases. Identifiers: MedGen C0950123, MeSH D030342.
Autosomal recessive congenital ichthyosis 1 (LI1). Also called: COLLODION FETUS; DESQUAMATION OF NEWBORN; ICHTHYOSIS, CONGENITAL, AUTOSOMAL RECESSIVE 1, WITH BATHING SUIT DISTRIBUTION; ICHTHYOSIS, CONGENITAL, AUTOSOMAL RECESSIVE 1, WITH OR WITHOUT BATHING SUIT DISTRIBUTION; ICHTHYOSIS CONGENITA; ICHTHYOSIS CONGENITA II. Identifiers: MedGen C4551630, MONDO:0009441, OMIM 242300.

Allele frequency attached by ClinVar (database versions not stated): gnomAD exomes 0.00001; ExAC 0.00002.
gnomAD v4.1: 21 of 1,613,998 alleles (0.0013%); highest among the groups gnomAD compares: East Asian, 0.0067%; 1 homozygote.

Submissions (2):

Ambry Genetics
Classification: Uncertain significance for Inborn genetic diseases. Last evaluated: 2024-08-28. Review status: criteria provided, single submitter. Criteria: Ambry Variant Classification Scheme 2023. Collection method: clinical testing. Allele origin: germline.

3billion
Classification: Uncertain significance for Autosomal recessive congenital ichthyosis 1. Last evaluated: 2022-01-03. Review status: criteria provided, single submitter. Criteria: ACMG Guidelines, 2015. Collection method: clinical testing. Allele origin: germline. Affected: yes. Observed: 1 heterozygote.
Comment: The variant observed at an extremely low frequency in the gnomAD v2.1.1 dataset (total allele frequency: 0.000012, PM2_M). In silico tool predictions suggest damaging effect of the variant on gene or gene product (REVEL: 0.661, 3CNET: 0.889, PP3_P). Missense changes are a common disease-causing mechanism (PP2_P). Therefore, this variant is classified as uncertain significance according to the recommendation of ACMG/AMP guideline.